The following is an entry in ClinVar:

NM_004168.4(SDHA):c.350A>G (p.Asp117Gly)

Gene: SDHA (succinate dehydrogenase complex flavoprotein subunit A; plus strand). Cytogenetic location: 5p15.33.
Variant type: single nucleotide variant.
Coding change: c.350A>G on transcript NM_004168.4 (MANE Select); coding-DNA position 350, A replaced by G.
Protein change: p.Asp117Gly; replaces aspartic acid 117 with glycine.
Molecular consequence: missense variant. On other transcripts: intron variant (1).
Genome position (GRCh38, 1-based): chr5:225,456, A>G. VCF-style: chr5-225456-A-G. GRCh37 (hg19) VCF-style: chr5-225571-A-G.
Other names: c.350A>G, p.Asp117Gly (NM_001330758.2); c.313-427A>G (NM_001294332.2); c.350A>G (NM_004168.2); short protein forms D117G.
Identifiers: ClinVar variation 661066 (VCV000661066.10), dbSNP rs1579384062, ClinGen allele CA359009260.

ClinVar aggregate classification (germline): Uncertain significance. Review status: criteria provided, multiple submitters, no conflicts (2 of 4 stars). 2 submissions from 2 submitters: Uncertain significance (2). Last evaluated 2026-09-06.

Conditions:
Mitochondrial complex II deficiency, nuclear type 1. Also called: SUCCINATE CoQ REDUCTASE DEFICIENCY. Identifiers: Orphanet 3208, MedGen C5700310, MONDO:0100294, OMIM 252011.
Pheochromocytoma/paraganglioma syndrome 5. Also called: Paragangliomas 5; SDHA-Related Hereditary Paraganglioma-Pheochromocytoma Syndrome. Identifiers: Orphanet 29072, MedGen C3279992, MONDO:0013602, OMIM 614165.
Hereditary cancer-predisposing syndrome. Also called: Neoplastic Syndromes, Hereditary; Hereditary Cancer Syndrome; Hereditary neoplastic syndrome; Tumor predisposition. Identifiers: Orphanet 140162, MedGen C0027672, MeSH D009386, MONDO:0015356.

Submissions (2):

Ambry Genetics
Classification: Uncertain significance for Hereditary cancer-predisposing syndrome. Last evaluated: 2026-09-06. Review status: criteria provided, single submitter. Criteria: Ambry Variant Classification Scheme 2023. Collection method: clinical testing. Allele origin: germline.
Comment: The p.D117G variant (also known as c.350A>G), located in coding exon 4 of the SDHA gene, results from an A to G substitution at nucleotide position 350. The aspartic acid at codon 117 is replaced by glycine, an amino acid with similar properties. This amino acid position is conserved. In addition, this alteration is predicted to be deleterious by in silico analysis. Based on the available evidence, the clinical significance of this variant remains unclear.

Labcorp Genetics (formerly Invitae), Labcorp
Classification: Uncertain significance for Pheochromocytoma/paraganglioma syndrome 5; Mitochondrial complex II deficiency, nuclear type 1. Last evaluated: 2018-07-02. Review status: criteria provided, single submitter. Criteria: Invitae Variant Classification Sherloc (09022015). Collection method: clinical testing. Allele origin: germline.
Comment: This sequence change replaces aspartic acid with glycine at codon 117 of the SDHA protein (p.Asp117Gly). The aspartic acid residue is highly conserved and there is a moderate physicochemical difference between aspartic acid and glycine. This variant is not present in population databases (ExAC no frequency). This variant has not been reported in the literature in individuals with SDHA-related disease. Algorithms developed to predict the effect of missense changes on protein structure and function (SIFT, PolyPhen-2, Align-GVGD) all suggest that this variant is likely to be disruptive, but these predictions have not been confirmed by published functional studies and their clinical significance is uncertain. In summary, the available evidence is currently insufficient to determine the role of this variant in disease. Therefore, it has been classified as a Variant of Uncertain Significance.